The following is an entry in ClinVar:

NM_001365536.1(SCN9A):c.1312G>A (p.Glu438Lys)

Genes: SCN1A-AS1 (SCN1A and SCN9A antisense RNA 1; plus strand), SCN9A (sodium voltage-gated channel alpha subunit 9; minus strand). Cytogenetic location: 2q24.3.
Variant type: single nucleotide variant.
Coding change: c.1312G>A on transcript NM_001365536.1 (MANE Select); coding-DNA position 1312, G replaced by A.
Protein change: p.Glu438Lys; replaces glutamic acid 438 with lysine.
Molecular consequence: missense variant.
Genome position (GRCh38, 1-based): chr2:166,288,439, C>T on the plus strand (G>A on the coding strand, the complement: SCN9A is on the minus strand). VCF-style: chr2-166288439-C-T. GRCh37 (hg19) VCF-style: chr2-167144949-C-T.
Other names: c.1312G>A, p.Glu438Lys (NM_002977.4); short protein forms E438K.
Identifiers: ClinVar variation 2123172 (VCV002123172.5), dbSNP rs1553491000, ClinGen allele CA349085581.

ClinVar aggregate classification (germline): Uncertain significance (1 of 4 stars; one submission).

Conditions:
Neuropathy, hereditary sensory and autonomic, type 2A (HSAN2A). Also called: HSAN IIA; WNK1-Related HSAN2 (HSAN2A); ACROOSTEOLYSIS, GIACCAI TYPE; ACROOSTEOLYSIS, NEUROGENIC; NEUROPATHY, CONGENITAL SENSORY; MORVAN DISEASE. Identifiers: Orphanet 970, MedGen C2752089, MONDO:0024309, OMIM 201300.
Generalized epilepsy with febrile seizures plus, type 7 (GEFSP7). Also called: GEFS+, TYPE 7. Identifiers: Orphanet 36387, MedGen C2751778, MONDO:0013470, OMIM 613863.
Paroxysmal extreme pain disorder (PEXPD). Also called: SCN9A Paroxysmal Extreme Pain Disorder (SCN9A-PEPD); PAIN, SUBMANDIBULAR, OCULAR, AND RECTAL, WITH FLUSHING; RECTAL PAIN, FAMILIAL. Identifiers: Orphanet 46348, MedGen C1833661, MONDO:0008179, OMIM 167400.
Small fiber neuropathy (SFNP). Also called: SCN9A Small Fiber Neuropathy (SCN9A-SFN). Identifiers: MedGen C3276706, MONDO:0800207.
Channelopathy-associated congenital insensitivity to pain, autosomal recessive. Also called: ASYMBOLIA FOR PAIN; CONGENITAL ANALGESIA, AUTOSOMAL RECESSIVE; Insensitivity to pain, channelopathy-associated. Identifiers: Orphanet 88642, Orphanet 970, MedGen C1855739, MONDO:0009459, OMIM 243000.
Primary erythromelalgia. Also called: SCN9A Erythromelalgia (SCN9A-EM); primary erythermalgia. Identifiers: Orphanet 306577, Orphanet 90026, MedGen C0014805, MONDO:0007571, OMIM 133020.
Generalized epilepsy with febrile seizures plus. Also called: Generalized Epilepsy with Febrile Seizures Plus (GEFS+). Identifiers: Orphanet 36387, MedGen C3502809, MONDO:0018214.

Allele frequency attached by ClinVar (database versions not stated): gnomAD exomes below 0.00001.
gnomAD v4.1: 2 of 1,606,930 alleles (0.00012%); highest among the groups gnomAD compares: Non-Finnish European, 0.00017%; no homozygotes.

Submission:

Labcorp Genetics (formerly Invitae), Labcorp
Classification: Uncertain significance for Neuropathy, hereditary sensory and autonomic, type 2A; Generalized epilepsy with febrile seizures plus, type 7. Last evaluated: 2022-04-08. Review status: criteria provided, single submitter. Criteria: Invitae Variant Classification Sherloc (09022015). Collection method: clinical testing. Allele origin: germline.
Comment: This sequence change replaces glutamic acid, which is acidic and polar, with lysine, which is basic and polar, at codon 438 of the SCN9A protein (p.Glu438Lys). This variant is not present in population databases (gnomAD no frequency). This variant has not been reported in the literature in individuals affected with SCN9A-related conditions. Algorithms developed to predict the effect of missense changes on protein structure and function (SIFT, PolyPhen-2, Align-GVGD) all suggest that this variant is likely to be tolerated. In summary, the available evidence is currently insufficient to determine the role of this variant in disease. Therefore, it has been classified as a Variant of Uncertain Significance.